The following is an entry in ClinVar:

ClinVar aggregate classification (germline): Pathogenic (1 of 4 stars; one submission).

Submission:

GeneDx
Classification: Pathogenic. Last evaluated: 2026-09-21. Review status: criteria provided, single submitter. Criteria: GeneDx Variant Classification Process June 2021. Collection method: clinical testing. Allele origin: germline.
Comment: In silico analysis supports that this missense variant has a deleterious effect on protein structure/function; Not observed at significant frequency in large population cohorts (gnomAD); This variant is associated with the following publications: (PMID: 27311832, 38553851, 35626936)

NM_004380.3(CREBBP):c.5513G>A (p.Cys1838Tyr)

Gene: CREBBP (CREB binding lysine acetyltransferase; minus strand). Cytogenetic location: 16p13.3.
Variant type: single nucleotide variant.
Coding change: c.5513G>A on transcript NM_004380.3 (MANE Select); coding-DNA position 5513, G replaced by A.
Protein change: p.Cys1838Tyr; replaces cysteine 1838 with tyrosine.
Molecular consequence: missense variant.
Genome position (GRCh38, 1-based): chr16:3,729,534, C>T on the plus strand (G>A on the coding strand, the complement: CREBBP is on the minus strand). VCF-style: chr16-3729534-C-T. GRCh37 (hg19) VCF-style: chr16-3779535-C-T.
Other names: c.5399G>A, p.Cys1800Tyr (NM_001079846.1); short protein forms C1800Y, C1838Y.
Identifiers: ClinVar variation 1706219 (VCV001706219.3), dbSNP rs1596787407, ClinGen allele CA394556145.